The following is an entry in ClinVar:

NM_000038.6(APC):c.6120G>T (p.Gln2040His)

Gene: APC (APC regulator of Wnt signaling pathway; plus strand). Cytogenetic location: 5q22.2.
Variant type: single nucleotide variant.
Coding change: c.6120G>T on transcript NM_000038.6 (MANE Select); coding-DNA position 6120, G replaced by T.
Protein change: p.Gln2040His; replaces glutamine 2040 with histidine.
Molecular consequence: missense variant.
Genome position (GRCh38, 1-based): chr5:112,841,714, G>T. VCF-style: chr5-112841714-G-T. GRCh37 (hg19) VCF-style: chr5-112177411-G-T.
Other names: c.6120G>T, p.Gln2040His (NM_001127510.3, NM_001354895.2); c.6066G>T, p.Gln2022His (NM_001127511.3); c.6174G>T, p.Gln2058His (NM_001354896.2); c.6150G>T, p.Gln2050His (NM_001354897.2); c.6045G>T, p.Gln2015His (NM_001354898.2); c.6036G>T, p.Gln2012His (NM_001354899.2); c.5997G>T, p.Gln1999His (NM_001354900.2); c.5943G>T, p.Gln1981His (NM_001354901.2); and 5 more; short protein forms Q1914H, Q1939H, Q1757H, Q1981H, Q2022H, Q2058H, Q2012H, Q2040H.
Identifiers: ClinVar variation 826191 (VCV000826191.4), dbSNP rs1580667795, ClinGen allele CA16034729.

ClinVar aggregate classification (germline): Uncertain significance (1 of 4 stars; one submission).

Conditions:
Hereditary cancer-predisposing syndrome. Also called: Neoplastic Syndromes, Hereditary; Tumor predisposition; Hereditary neoplastic syndrome; Hereditary Cancer Syndrome. Identifiers: Orphanet 140162, MedGen C0027672, MeSH D009386, MONDO:0015356.

Submission:

Ambry Genetics
Classification: Uncertain significance for Hereditary cancer-predisposing syndrome. Last evaluated: 2019-08-13. Review status: criteria provided, single submitter. Criteria: Ambry Variant Classification Scheme 2023. Collection method: clinical testing. Allele origin: germline.
Comment: The p.Q2040H variant (also known as c.6120G>T), located in coding exon 15 of the APC gene, results from a G to T substitution at nucleotide position 6120. The glutamine at codon 2040 is replaced by histidine, an amino acid with highly similar properties. This amino acid position is highly conserved in available vertebrate species. In addition, in silico predictors for this gene do not accurately predict pathogenicity. Since supporting evidence is limited at this time, the clinical significance of this alteration remains unclear.